The following is an entry in ClinVar:

NM_001003800.2(BICD2):c.68G>C (p.Arg23Pro)

Gene: BICD2 (BICD cargo adaptor 2; minus strand). Cytogenetic location: 9q22.31.
Variant type: single nucleotide variant.
Coding change: c.68G>C on transcript NM_001003800.2 (MANE Select); coding-DNA position 68, G replaced by C.
Protein change: p.Arg23Pro; replaces arginine 23 with proline.
Molecular consequence: missense variant.
Genome position (GRCh38, 1-based): chr9:92,764,677, C>G on the plus strand (G>C on the coding strand, the complement: BICD2 is on the minus strand). VCF-style: chr9-92764677-C-G. GRCh37 (hg19) VCF-style: chr9-95526959-C-G.
Other names: c.68G>C, p.Arg23Pro (NM_015250.4); short protein forms R23P.
Identifiers: ClinVar variation 2631939 (VCV002631939.2), dbSNP rs2537622342, ClinGen allele CA374032925.
Genomic context (GRCh38, chr9:92,764,677, plus strand): 5'-GCCTGGATCTTCTCACGCGTGGTCTCGGCCAGCTCGTGGGACAGCCGCTTCACCTCGGCG[C>G]GCAGCCACTCCGGCTGCGCCTCCATCACCAGCCGCGCGTACTCCTCCTCCTCCGACGGCG-3'
Protein context (NP_001003800.1, residues 13-33): LVMEAQPEWL[Arg23Pro]AEVKRLSHEL

ClinVar aggregate classification (germline): Uncertain significance. Review status: criteria provided, multiple submitters, no conflicts (2 of 4 stars). 2 submissions from 2 submitters: Uncertain significance (2). Last evaluated 2025-09-12.

Conditions:
BICD2-related disorder. Also called: BICD2-related condition.

gnomAD v4.1: 1 of 1,589,394 alleles (0.000063%); highest among the groups gnomAD compares: Non-Finnish European, 0.000085%; no homozygotes.

Submissions (2):

Women's Health and Genetics/Laboratory Corporation of America, LabCorp
Classification: Uncertain significance. Last evaluated: 2025-09-12. Review status: criteria provided, single submitter. Criteria: LabCorp Variant Classification Summary - May 2015. Collection method: clinical testing. Allele origin: germline.
Comment: Variant summary: BICD2 c.68G>C (p.Arg23Pro) results in a non-conservative amino acid change in the encoded protein sequence. Algorithms developed to predict the effect of missense changes on protein structure and function are either unavailable or do not agree on the potential impact of this missense change. The frequency data for this variant in gnomAD is considered unreliable, as metrics indicate poor data quality at this position. To our knowledge, no occurrence of c.68G>C in individuals affected with BICD2-related conditions and no experimental evidence demonstrating its impact on protein function have been reported. ClinVar contains an entry for this variant (Variation ID: 2631939). Based on the evidence outlined above, the variant was classified as uncertain significance.

PreventionGenetics, part of Exact Sciences
Classification: Uncertain significance for BICD2-related condition. Last evaluated: 2023-08-17. Review status: criteria provided, single submitter. Criteria: ACMG Guidelines, 2015. Collection method: clinical testing. Allele origin: germline.
Comment: The BICD2 c.68G>C variant is predicted to result in the amino acid substitution p.Arg23Pro. To our knowledge, this variant has not been reported in the literature or in a large population database, indicating this variant is rare. At this time, the clinical significance of this variant is uncertain due to the absence of conclusive functional and genetic evidence.